The following is an entry in ClinVar:

NM_001184.4(ATR):c.1003A>G (p.Met335Val)

Gene: ATR (ATR checkpoint kinase; minus strand). Cytogenetic location: 3q23.
Variant type: single nucleotide variant.
Coding change: c.1003A>G on transcript NM_001184.4 (MANE Select); coding-DNA position 1003, A replaced by G.
Protein change: p.Met335Val; replaces methionine 335 with valine.
Molecular consequence: missense variant.
Genome position (GRCh38, 1-based): chr3:142,562,399, T>C on the plus strand (A>G on the coding strand, the complement: ATR is on the minus strand). VCF-style: chr3-142562399-T-C. GRCh37 (hg19) VCF-style: chr3-142281241-T-C.
Other names: c.1003A>G, p.Met335Val (NM_001354579.2); short protein forms M335V.
Identifiers: ClinVar variation 2561342 (VCV002561342.2), dbSNP rs1320065796, ClinGen allele CA354824066.

ClinVar aggregate classification (germline): Uncertain significance (1 of 4 stars; one submission).

Conditions:
Inborn genetic diseases. Identifiers: MedGen C0950123, MeSH D030342.

Allele frequency attached by ClinVar (database versions not stated): TOPMed below 0.00001.
gnomAD v4.1: 1 of 1,614,144 alleles (0.000062%); highest among the groups gnomAD compares: South Asian, 0.0011%; no homozygotes.

Submission:

Ambry Genetics
Classification: Uncertain significance for Inborn genetic diseases. Last evaluated: 2023-04-07. Review status: criteria provided, single submitter. Criteria: Ambry Variant Classification Scheme 2023. Collection method: clinical testing. Allele origin: germline.
Comment: The p.M335V variant (also known as c.1003A>G), located in coding exon 4 of the ATR gene, results from an A to G substitution at nucleotide position 1003. The methionine at codon 335 is replaced by valine, an amino acid with highly similar properties. This amino acid position is conserved. In addition, this alteration is predicted to be tolerated by in silico analysis. Since supporting evidence is limited at this time, the clinical significance of this alteration remains unclear.